The following is an entry in ClinVar:

ClinVar aggregate classification (germline): Uncertain significance (1 of 4 stars; one submission).

Conditions:
Hereditary cancer-predisposing syndrome. Also called: Tumor predisposition; Hereditary neoplastic syndrome; Hereditary Cancer Syndrome; Neoplastic Syndromes, Hereditary. Identifiers: Orphanet 140162, MedGen C0027672, MeSH D009386, MONDO:0015356.

Submission:

Ambry Genetics
Classification: Uncertain significance for Hereditary cancer-predisposing syndrome. Last evaluated: 2025-06-02. Review status: criteria provided, single submitter. Criteria: Ambry Variant Classification Scheme 2023. Collection method: clinical testing. Allele origin: germline.
Comment: The p.K1857N variant (also known as c.5571G>T), located in coding exon 41 of the POLE gene, results from a G to T substitution at nucleotide position 5571. The lysine at codon 1857 is replaced by asparagine, an amino acid with similar properties. This amino acid position is conserved. In addition, this alteration is predicted to be tolerated by in silico analysis. Based on the available evidence, the clinical significance of this variant remains unclear.

NM_006231.4(POLE):c.5571G>T (p.Lys1857Asn)

Gene: POLE (DNA polymerase epsilon, catalytic subunit; minus strand). Cytogenetic location: 12q24.33.
Variant type: single nucleotide variant.
Coding change: c.5571G>T on transcript NM_006231.4 (MANE Select); coding-DNA position 5571, G replaced by T.
Protein change: p.Lys1857Asn; replaces lysine 1857 with asparagine.
Molecular consequence: missense variant.
Genome position (GRCh38, 1-based): chr12:132,638,121, C>A on the plus strand (G>T on the coding strand, the complement: POLE is on the minus strand). VCF-style: chr12-132638121-C-A. GRCh37 (hg19) VCF-style: chr12-133214707-C-A.
Other names: short protein forms K1857N.
Identifiers: ClinVar variation 3935785 (VCV003935785.1).